The following is an entry in ClinVar:

NM_000255.4(MMUT):c.2080C>T (p.Arg694Trp)

Gene: MMUT (methylmalonyl-CoA mutase; minus strand). Cytogenetic location: 6p12.3.
Variant type: single nucleotide variant.
Coding change: c.2080C>T on transcript NM_000255.4 (MANE Select); coding-DNA position 2080, C replaced by T.
Protein change: p.Arg694Trp; replaces arginine 694 with tryptophan.
Molecular consequence: missense variant.
Genome position (GRCh38, 1-based): chr6:49,435,500, G>A on the plus strand (C>T on the coding strand, the complement: MMUT is on the minus strand). VCF-style: chr6-49435500-G-A. GRCh37 (hg19) VCF-style: chr6-49403213-G-A.
Other names: short protein forms R694W.
Identifiers: ClinVar variation 218996 (VCV000218996.40), dbSNP rs777758903, ClinGen allele CA347907.

ClinVar aggregate classification (germline): Pathogenic. Review status: criteria provided, multiple submitters, no conflicts (2 of 4 stars). 11 submissions from 11 submitters: Pathogenic (7). 4 of the submissions do not count toward it. Last evaluated 2025-12-17.

Conditions:
Methylmalonic aciduria due to complete methylmalonyl-CoA mutase deficiency.
Methylmalonic aciduria. Identifiers: MedGen C1855119, HP:0012120.
Methylmalonic aciduria due to methylmalonyl-CoA mutase deficiency (MAMM). Also called: Methylmalonic aciduria, mut type. Identifiers: Orphanet 27, MedGen C1855114, MONDO:0009612, OMIM 251000.
Methylmalonic acidemia (MMA). Also called: Isolated Methylmalonic Acidemia. Identifiers: MedGen C0268583, MeSH C537358, MONDO:0002012, HP:0002912.

Allele frequency attached by ClinVar (database versions not stated): gnomAD 0.00001; ExAC 0.00002; gnomAD exomes 0.00002 and 0.00003.
gnomAD v4.1: 42 of 1,613,998 alleles (0.0026%); highest among the groups gnomAD compares: South Asian, 0.0055%; no homozygotes.

Submissions (11):

Labcorp Genetics (formerly Invitae), Labcorp
Classification: Pathogenic. Last evaluated: 2025-12-17. Review status: criteria provided, single submitter. Criteria: Invitae Variant Classification Sherloc (09022015). Collection method: clinical testing. Allele origin: germline.
Comment: This sequence change replaces arginine, which is basic and polar, with tryptophan, which is neutral and slightly polar, at codon 694 of the MUT protein (p.Arg694Trp). This variant is present in population databases (rs777758903, gnomAD 0.006%). This missense change has been observed in individual(s) with methylmalonic aciduria (PMID: 17957493, 27591164). ClinVar contains an entry for this variant (Variation ID: 218996). Invitae Evidence Modeling of protein sequence and biophysical properties (such as structural, functional, and spatial information, amino acid conservation, physicochemical variation, residue mobility, and thermodynamic stability) indicates that this missense variant is expected to disrupt MUT protein function with a positive predictive value of 95%. Experimental studies have shown that this missense change affects MUT function (PMID: 7912889, 25125334). For these reasons, this variant has been classified as Pathogenic.

Natera, Inc.
Classification: Pathogenic for Methylmalonic aciduria due to complete methylmalonyl-CoA mutase deficiency. Last evaluated: 2025-09-07. Review status: criteria provided, single submitter. Criteria: Natera Variant Classification Schema (03/2026). Collection method: clinical testing. Allele origin: germline.
Comment: The c.2080C>T variant in MMUT is a missense variant predicted to cause substitution of arginine to tryptophan at amino acid 694. This variant is rare in the general population with a frequency below the threshold expected for the associated phenotype(s). This variant has been observed in one or more individuals affected with the associated recessive disease, as either homozygous or compound heterozygous with a second variant (PMID: 26615597, 33413471). Given the available evidence, this variant is classified as Pathogenic.

GeneDx
Classification: Pathogenic. Last evaluated: 2025-01-15. Review status: criteria provided, single submitter. Criteria: GeneDx Variant Classification Process June 2021. Collection method: clinical testing. Allele origin: germline. Affected: yes.
Comment: Published functional studies demonstrate a damaging defect on enzyme activity and MUT gene product function (PMID: 7912889, 25125334); Not observed at significant frequency in large population cohorts (gnomAD); In silico analysis supports that this missense variant has a deleterious effect on protein structure/function; This variant is associated with the following publications: (PMID: 7912889, 26615597, 17113806, 25125334, 17957493, 35361390, 16281286, 15643616, 27591164, 17432548, 31622506, 31998365, 34426522, 32754920, 33413471, 36717752, 34668645, 35314707, 33453710)

Genomic Medicine Center of Excellence, King Faisal Specialist Hospital and Research Centre
Classification: Pathogenic for Methylmalonic aciduria due to methylmalonyl-CoA mutase deficiency. Last evaluated: 2024-12-18. Review status: criteria provided, single submitter. Criteria: ACMG Guidelines, 2015. Collection method: clinical testing. Allele origin: germline.

Dubai Health Genomic Medicine Center, Dubai Health
Classification: Pathogenic for Methylmalonic aciduria. Last evaluated: 2024-10-04. Review status: criteria provided, single submitter. Criteria: ACMG Guidelines, 2015. Collection method: research. Allele origin: germline. Affected: yes.
Comment: PS3,PM3 (modertae),PM2,PP3

Revvity Omics, Revvity
Classification: Pathogenic for Methylmalonic aciduria due to methylmalonyl-CoA mutase deficiency. Last evaluated: 2020-06-09. Review status: criteria provided, single submitter. Criteria: ACMG Guidelines, 2015. Collection method: clinical testing. Allele origin: germline.

Women's Health and Genetics/Laboratory Corporation of America, LabCorp
Classification: Pathogenic for Methylmalonic acidemia. Last evaluated: 2017-03-19. Review status: criteria provided, single submitter. Criteria: LabCorp Variant Classification Summary - May 2015. Collection method: clinical testing. Allele origin: germline.
Comment: Variant summary: The MUT c.2080C>T (p.Arg694Trp) variant located in the AdoCbl-binding domain (via Imtiaz_2014) involves the alteration of a conserved nucleotide, which 4/4 in silico tools (SNPs&GO not captured due to low reliability index) predict a damaging outcome. The variant of interest was observed in the large, broad control population, ExAC, with the allele frequency of 2/121164 (1/60582), which does not exceed the estimated maximal expected allele frequency of a pathogenic MUT variant for 1/414. Multiple publications have cited the variant in affected homozygous and compound heterozygous individuals. In addition, at-least one database classified this variant as pathogenic. Taken together, this variant is classified as pathogenic.

Clinical Laboratory Sciences Program (CLSP), King Saud bin Abdulaziz University for Health Sciences (KSAU-HS)
Classification: Pathogenic for Methylmalonic aciduria due to methylmalonyl-CoA mutase deficiency. Last evaluated: 2023-04-01. Review status: no assertion criteria provided. Collection method: clinical testing. Allele origin: germline. Affected: yes. Not counted in ClinVar's aggregate classification.

Counsyl
Classification: Pathogenic for Methylmalonic aciduria due to methylmalonyl-CoA mutase deficiency. Last evaluated: 2017-04-24. Review status: no assertion criteria provided. Collection method: clinical testing. Allele origin: unknown. Not counted in ClinVar's aggregate classification.

GeneReviews
No classification provided. Condition: Methylmalonic aciduria due to methylmalonyl-CoA mutase deficiency. Review status: no classification provided. Collection method: literature only. Allele origin: germline. Affected: yes. Not counted in ClinVar's aggregate classification.
Comment: mut¯ enzymatic subtype

Pathology and Clinical Laboratory Medicine, King Fahad Medical City
Classification: Pathogenic for Methylmalonic aciduria due to methylmalonyl-CoA mutase deficiency. Review status: no assertion criteria provided. Criteria: ACMG Guidelines, 2015. Collection method: clinical testing. Allele origin: germline. Affected: yes. Not counted in ClinVar's aggregate classification.

Literature cited by the submitters: PubMed 17957493 (cited by Labcorp Genetics (formerly Invitae), Labcorp); PubMed 27591164 (cited by Labcorp Genetics (formerly Invitae), Labcorp); PubMed 7912889 (cited by Labcorp Genetics (formerly Invitae), Labcorp and Counsyl); PubMed 25125334 (cited by Labcorp Genetics (formerly Invitae), Labcorp and Counsyl); PubMed 26615597 (cited by 3 submitters); PubMed 33413471 (cited by Natera, Inc.); PubMed 27167370 (cited by Counsyl); PubMed 23430940 (cited by Counsyl); NCBI Bookshelf NBK1231 (cited by GeneReviews).